The following is an entry in ClinVar:

ClinVar aggregate classification (germline): Uncertain significance (1 of 4 stars; one submission).

Submission:

GeneDx
Classification: Uncertain significance. Last evaluated: 2026-02-27. Review status: criteria provided, single submitter. Criteria: GeneDx Variant Classification Process June 2021. Collection method: clinical testing. Allele origin: germline.
Comment: Not observed at significant frequency in large population cohorts (gnomAD); In silico analysis suggests that this missense variant does not alter protein structure/function; Has not been previously published as pathogenic or benign to our knowledge

NM_182931.3(KMT2E):c.4457C>T (p.Pro1486Leu)

Gene: KMT2E (lysine methyltransferase 2E (inactive); plus strand). Cytogenetic location: 7q22.3.
Variant type: single nucleotide variant.
Coding change: c.4457C>T on transcript NM_182931.3 (MANE Select); coding-DNA position 4457, C replaced by T.
Protein change: p.Pro1486Leu; replaces proline 1486 with leucine.
Molecular consequence: missense variant.
Genome position (GRCh38, 1-based): chr7:105,112,213, C>T. VCF-style: chr7-105112213-C-T. GRCh37 (hg19) VCF-style: chr7-104752660-C-T.
Other names: c.4331C>T, p.Pro1444Leu (NM_001410908.1); c.4457C>T, p.Pro1486Leu (NM_018682.4); short protein forms P1444L, P1486L.
Identifiers: ClinVar variation 5008005 (VCV005008005.1).